The following is an entry in ClinVar:

ClinVar aggregate classification (germline): Uncertain significance (1 of 4 stars; one submission).

Conditions:
FG syndrome (FGS). Identifiers: MedGen C0220769, MONDO:0002010.

Allele frequency attached by ClinVar (database versions not stated): gnomAD 0.00001.

Submission:

Labcorp Genetics (formerly Invitae), Labcorp
Classification: Uncertain significance for FG syndrome. Last evaluated: 2022-07-14. Review status: criteria provided, single submitter. Criteria: Invitae Variant Classification Sherloc (09022015). Collection method: clinical testing. Allele origin: germline.
Comment: This variant is not present in population databases (gnomAD no frequency). This variant has not been reported in the literature in individuals affected with MED12-related conditions. Advanced modeling of protein sequence and biophysical properties (such as structural, functional, and spatial information, amino acid conservation, physicochemical variation, residue mobility, and thermodynamic stability) performed at Invitae indicates that this missense variant is not expected to disrupt MED12 protein function. In summary, the available evidence is currently insufficient to determine the role of this variant in disease. Therefore, it has been classified as a Variant of Uncertain Significance. This sequence change replaces methionine, which is neutral and non-polar, with valine, which is neutral and non-polar, at codon 1606 of the MED12 protein (p.Met1606Val).

NM_005120.3(MED12):c.4816A>G (p.Met1606Val)

Gene: MED12 (mediator complex subunit 12; plus strand). Cytogenetic location: Xq13.1.
Variant type: single nucleotide variant.
Coding change: c.4816A>G on transcript NM_005120.3 (MANE Select); coding-DNA position 4816, A replaced by G.
Protein change: p.Met1606Val; replaces methionine 1606 with valine.
Molecular consequence: missense variant.
Genome position (GRCh38, 1-based): chrX:71,134,801, A>G. VCF-style: chrX-71134801-A-G. GRCh37 (hg19) VCF-style: chrX-70354651-A-G.
Other names: short protein forms M1606V.
Identifiers: ClinVar variation 2014285 (VCV002014285.4), dbSNP rs2092327985, ClinGen allele CA413532560.